The following is an entry in ClinVar:

ClinVar aggregate classification (germline): Uncertain significance (1 of 4 stars; one submission).

Submission:

Ambry Genetics
Classification: Uncertain significance. Last evaluated: 2024-09-21. Review status: criteria provided, single submitter. Criteria: Ambry Variant Classification Scheme 2023. Collection method: clinical testing. Allele origin: germline.
Comment: The p.T267S variant (also known as c.800C>G), located in coding exon 4 of the MNDA gene, results from a C to G substitution at nucleotide position 800. The threonine at codon 267 is replaced by serine, an amino acid with similar properties. This amino acid position is conserved. In addition, this alteration is predicted to be tolerated by in silico analysis. Based on the available evidence, the clinical significance of this variant remains unclear.

NM_002432.3(MNDA):c.800C>G (p.Thr267Ser)

Gene: MNDA (myeloid cell nuclear differentiation antigen; plus strand). Cytogenetic location: 1q23.1.
Variant type: single nucleotide variant.
Coding change: c.800C>G on transcript NM_002432.3 (MANE Select); coding-DNA position 800, C replaced by G.
Protein change: p.Thr267Ser; replaces threonine 267 with serine.
Molecular consequence: missense variant.
Genome position (GRCh38, 1-based): chr1:158,845,816, C>G. VCF-style: chr1-158845816-C-G. GRCh37 (hg19) VCF-style: chr1-158815606-C-G.
Other names: short protein forms T267S.
Identifiers: ClinVar variation 3397294 (VCV003397294.1).